The following is an entry in ClinVar:

ClinVar aggregate classification (germline): Uncertain significance. Review status: criteria provided, multiple submitters, no conflicts (2 of 4 stars). 3 submissions from 3 submitters: Uncertain significance (3). Last evaluated 2021-09-04.

Allele frequency attached by ClinVar (database versions not stated): ExAC 0.00002; gnomAD exomes 0.00002; TOPMed 0.00003.
gnomAD v4.1: 40 of 1,613,716 alleles (0.0025%); highest among the groups gnomAD compares: Non-Finnish European, 0.0031%; 1 homozygote.

Submissions (3):

Labcorp Genetics (formerly Invitae), Labcorp
Classification: Uncertain significance. Last evaluated: 2021-09-04. Review status: criteria provided, single submitter. Criteria: Invitae Variant Classification Sherloc (09022015). Collection method: clinical testing. Allele origin: germline.
Comment: This sequence change replaces tryptophan with cysteine at codon 712 of the MCPH1 protein (p.Trp712Cys). The tryptophan residue is highly conserved and there is a large physicochemical difference between tryptophan and cysteine. This variant also falls at the last nucleotide of exon 11, which is part of the consensus splice site for this exon. This variant is present in population databases (rs778229284, ExAC 0.003%). This variant has not been reported in the literature in individuals affected with MCPH1-related conditions. ClinVar contains an entry for this variant (Variation ID: 281561). Algorithms developed to predict the effect of missense changes on protein structure and function are either unavailable or do not agree on the potential impact of this missense change (SIFT: "Not Available"; PolyPhen-2: "Probably Damaging"; Align-GVGD: "Not Available"). Variants that disrupt the consensus splice site are a relatively common cause of aberrant splicing (PMID: 17576681, 9536098). In summary, the available evidence is currently insufficient to determine the role of this variant in disease. Therefore, it has been classified as a Variant of Uncertain Significance.

Genetic Services Laboratory, University of Chicago
Classification: Uncertain significance. Last evaluated: 2021-03-12. Review status: criteria provided, single submitter. Criteria: ACMG Guidelines, 2015. Collection method: clinical testing. Allele origin: germline. Affected: no.

Eurofins Ntd Llc (ga)
Classification: Uncertain significance. Last evaluated: 2015-06-25. Review status: criteria provided, single submitter. Criteria: EGL Classification Definitions 2015. Collection method: clinical testing. Allele origin: germline. Observed: 2 variant alleles, 2 heterozygotes.

Literature cited by the submitters: PubMed 17576681 (cited by Labcorp Genetics (formerly Invitae), Labcorp); PubMed 9536098 (cited by Labcorp Genetics (formerly Invitae), Labcorp).

NM_024596.5(MCPH1):c.2136G>T (p.Trp712Cys)

Gene: MCPH1 (microcephalin 1; plus strand). Cytogenetic location: 8p23.1.
Variant type: single nucleotide variant.
Coding change: c.2136G>T on transcript NM_024596.5 (MANE Select); coding-DNA position 2136, G replaced by T.
Protein change: p.Trp712Cys; replaces tryptophan 712 with cysteine.
Molecular consequence: missense variant. On other transcripts: intron variant (1).
Genome position (GRCh38, 1-based): chr8:6,480,876, G>T. VCF-style: chr8-6480876-G-T. GRCh37 (hg19) VCF-style: chr8-6338397-G-T.
Other names: c.2136G>T, p.Trp712Cys (NM_001322042.2, NM_001363979.1); c.1935+25624G>T (NM_001363980.2); short protein forms W712C.
Identifiers: ClinVar variation 281561 (VCV000281561.11), dbSNP rs778229284, ClinGen allele CA4610818.